The following is an entry in ClinVar:

NM_001085487.3(MYSM1):c.2244A>G (p.Ile748Met)

Gene: MYSM1 (Myb like, SWIRM and MPN domains 1; minus strand). Cytogenetic location: 1p32.1.
Variant type: single nucleotide variant.
Coding change: c.2244A>G on transcript NM_001085487.3 (MANE Select); coding-DNA position 2244, A replaced by G.
Protein change: p.Ile748Met; replaces isoleucine 748 with methionine.
Molecular consequence: missense variant.
Genome position (GRCh38, 1-based): chr1:58,661,432, T>C on the plus strand (A>G on the coding strand, the complement: MYSM1 is on the minus strand). VCF-style: chr1-58661432-T-C. GRCh37 (hg19) VCF-style: chr1-59127104-T-C.
Other names: short protein forms I748M.
Identifiers: ClinVar variation 4740416 (VCV004740416.1).

ClinVar aggregate classification (germline): Uncertain significance (1 of 4 stars; one submission).

gnomAD v4.1: 1 of 1,598,962 alleles (0.000063%); highest among the groups gnomAD compares: Non-Finnish European, 0.000086%; no homozygotes.

Submission:

Labcorp Genetics (formerly Invitae), Labcorp
Classification: Uncertain significance. Last evaluated: 2025-09-17. Review status: criteria provided, single submitter. Criteria: Invitae Variant Classification Sherloc (09022015). Collection method: clinical testing. Allele origin: germline.
Comment: This sequence change replaces isoleucine, which is neutral and non-polar, with methionine, which is neutral and non-polar, at codon 748 of the MYSM1 protein (p.Ile748Met). This variant is present in population databases (rs769356589, gnomAD 0.0009%). This variant has not been reported in the literature in individuals affected with MYSM1-related conditions. Invitae Evidence Modeling of protein sequence and biophysical properties (such as structural, functional, and spatial information, amino acid conservation, physicochemical variation, residue mobility, and thermodynamic stability) indicates that this missense variant is not expected to disrupt MYSM1 protein function with a negative predictive value of 80%. In summary, the available evidence is currently insufficient to determine the role of this variant in disease. Therefore, it has been classified as a Variant of Uncertain Significance.